The following is an entry in ClinVar:

NM_000057.4(BLM):c.548C>T (p.Ala183Val)

Gene: BLM (BLM RecQ like helicase; plus strand). Cytogenetic location: 15q26.1.
Variant type: single nucleotide variant.
Coding change: c.548C>T on transcript NM_000057.4 (MANE Select); coding-DNA position 548, C replaced by T.
Protein change: p.Ala183Val; replaces alanine 183 with valine.
Molecular consequence: missense variant. On other transcripts: 5 prime UTR variant (1).
Genome position (GRCh38, 1-based): chr15:90,749,816, C>T. VCF-style: chr15-90749816-C-T. GRCh37 (hg19) VCF-style: chr15-91293046-C-T.
Other names: c.548C>T, p.Ala183Val (NM_001287246.2, NM_001287247.2); c.-744C>T (NM_001287248.2); short protein forms A183V.
Identifiers: ClinVar variation 3224838 (VCV003224838.2), dbSNP rs756676685, ClinGen allele CA7738310.

ClinVar aggregate classification (germline): Uncertain significance. Review status: criteria provided, multiple submitters, no conflicts (2 of 4 stars). 2 submissions from 2 submitters: Uncertain significance (2). Last evaluated 2025-09-03.

Conditions:
Hereditary cancer-predisposing syndrome. Also called: Tumor predisposition; Hereditary neoplastic syndrome; Hereditary Cancer Syndrome; Neoplastic Syndromes, Hereditary. Identifiers: Orphanet 140162, MedGen C0027672, MeSH D009386, MONDO:0015356.
Bloom syndrome (BLM). Also called: Bloom-Torre-Machacek syndrome. Identifiers: Orphanet 125, MedGen C0005859, MONDO:0008876, OMIM 210900.

Allele frequency attached by ClinVar (database versions not stated): gnomAD exomes below 0.00001; ExAC 0.00001; gnomAD 0.00001.
gnomAD v4.1: 7 of 1,594,396 alleles (0.00044%); highest among the groups gnomAD compares: South Asian, 0.008%; no homozygotes.

Submissions (2):

Labcorp Genetics (formerly Invitae), Labcorp
Classification: Uncertain significance for Bloom syndrome. Last evaluated: 2025-09-03. Review status: criteria provided, single submitter. Criteria: Invitae Variant Classification Sherloc (09022015). Collection method: clinical testing. Allele origin: germline.
Comment: This sequence change replaces alanine, which is neutral and non-polar, with valine, which is neutral and non-polar, at codon 183 of the BLM protein (p.Ala183Val). The frequency data for this variant in the population databases is considered unreliable, as metrics indicate poor data quality at this position in the gnomAD database. This variant has not been reported in the literature in individuals affected with BLM-related conditions. ClinVar contains an entry for this variant (Variation ID: 3224838). An algorithm developed to predict the effect of missense changes on protein structure and function (PolyPhen-2) suggests that this variant is likely to be disruptive. In summary, the available evidence is currently insufficient to determine the role of this variant in disease. Therefore, it has been classified as a Variant of Uncertain Significance.

Ambry Genetics
Classification: Uncertain significance for Hereditary cancer-predisposing syndrome. Last evaluated: 2024-03-09. Review status: criteria provided, single submitter. Criteria: Ambry Variant Classification Scheme 2023. Collection method: clinical testing. Allele origin: germline.
Comment: The p.A183V variant (also known as c.548C>T), located in coding exon 2 of the BLM gene, results from a C to T substitution at nucleotide position 548. The alanine at codon 183 is replaced by valine, an amino acid with similar properties. This amino acid position is conserved. In addition, this alteration is predicted to be tolerated by in silico analysis. Based on the available evidence, the clinical significance of this alteration remains unclear.